The following is an entry in ClinVar:

NM_004360.5(CDH1):c.55_74del (p.Ser19fs)

Gene: CDH1 (cadherin 1; plus strand). Cytogenetic location: 16q22.1.
Variant type: Deletion.
Coding change: c.55_74del on transcript NM_004360.5 (MANE Select); coding-DNA positions 55 to 74, 20 bases deleted (TCTTGGCTCTGCCAGGAGCC).
Protein change: p.Ser19fs; shifts the reading frame from serine 19.
Molecular consequence: frameshift variant. On other transcripts: 5 prime UTR variant (2).
Genome position (GRCh38, 1-based): chr16:68,738,303-68,738,322, TCTTGGCTCTGCCAGGAGCC deleted; deleting any 20 consecutive bases within chr16:68,738,301-68,738,322 gives the same sequence; the c. name uses the placement nearest the transcript's 3' end. VCF-style (leftmost placement, unchanged base first): chr16-68738300-TCCTCTTGGCTCTGCCAGGAG-T. GRCh37 (hg19) VCF-style: chr16-68772203-TCCTCTTGGCTCTGCCAGGAG-T.
Other names: c.55_74del, p.Ser19fs (NM_001317184.2); c.-1561_-1542del (NM_001317185.2); c.-1765_-1746del (NM_001317186.2); short protein forms S19fs.
Identifiers: ClinVar variation 2502981 (VCV002502981.1), dbSNP rs2543816508, ClinGen allele CA2580612826.

ClinVar aggregate classification (germline): Pathogenic (1 of 4 stars; one submission).

Conditions:
Hereditary diffuse gastric adenocarcinoma (HDGC). Also called: DIFFUSE GASTRIC AND LOBULAR BREAST CANCER SYNDROME. Identifiers: Orphanet 26106, MedGen C1708349, MONDO:0007648, OMIM 137215.

Submission:

European Reference Network on Genetic Tumour Risk Syndromes (ERN-GENTURIS), i3s - Instituto de Investigação e Inovação em Saúde, University of Porto
Classification: Pathogenic for Hereditary diffuse gastric adenocarcinoma. Last evaluated: 2022-08-01. Review status: criteria provided, single submitter. Criteria: Lee et al. (Hum Mutat. 2018). Collection method: clinical testing. Allele origin: germline. Inheritance: Autosomal dominant inheritance. Affected: yes. Study: ERN GENTURIS.
Comment: PVS1; PS4_Supporting; PM2 (PMID: 30311375)

Literature cited by the submitters: PubMed 36436516.